The following is an entry in ClinVar:

ClinVar aggregate classification (germline): Pathogenic (1 of 4 stars; one submission).

Conditions:
Oligoasthenoteratozoospermia. Identifiers: MedGen CN372097, MONDO:0850098.

gnomAD v4.1: 6 of 1,612,938 alleles (0.00037%); highest among the groups gnomAD compares: East Asian, 0.0045%; no homozygotes.

Submission:

Fuxi Zhu Research Group, Second Affiliated Hospital of Anhui Medical University
Classification: Pathogenic for Oligoasthenoteratozoospermia. Review status: criteria provided, single submitter. Criteria: ACMG Guidelines, 2015. Collection method: research. Allele origin: biparental. Affected: yes.
Comment: The variant (NM_014641.3:c.5977C>T; p.R1993X) causes an amino acid substitution, resulting in a truncated protein. This variant affects the DNA damage repair function of MDC1 and interferes with the interaction of key genes involved in spermatogenesis (internal data)(PMID:16377563). Analysis of variant frequencies in the 1000 Genomes Project, gnomAD, and ExAC databases revealed that this variant is extremely rare or absent in the general population (PM2). Computational predictions from SIFT, PolyPhen-2, and MutationTaster all suggest a pathogenic effect (PP3). Based on the ACMG/AMP guidelines, this variant meets the criteria for classification as pathogenic.

Literature cited by the submitters: PubMed 16377563.

NM_014641.3(MDC1):c.5977C>T (p.Arg1993Ter)

Gene: MDC1 (mediator of DNA damage checkpoint 1; minus strand). Cytogenetic location: 6p21.33.
Variant type: single nucleotide variant.
Coding change: c.5977C>T on transcript NM_014641.3 (MANE Select); coding-DNA position 5977, C replaced by T.
Protein change: p.Arg1993Ter; replaces arginine 1993 with a stop codon.
Molecular consequence: nonsense.
Genome position (GRCh38, 1-based): chr6:30,702,766, G>A on the plus strand (C>T on the coding strand, the complement: MDC1 is on the minus strand). VCF-style: chr6-30702766-G-A. GRCh37 (hg19) VCF-style: chr6-30670543-G-A.
Other names: short protein forms R1993*.
Identifiers: ClinVar variation 3901223 (VCV003901223.1).